The following is an entry in ClinVar:

NM_006329.4(FBLN5):c.*648G>A

Gene: FBLN5 (fibulin 5; minus strand). Cytogenetic location: 14q32.12.
Variant type: single nucleotide variant.
Coding change: c.*648G>A on transcript NM_006329.4 (MANE Select); 648 bases downstream of the stop codon, G replaced by A.
Molecular consequence: 3 prime UTR variant.
Genome position (GRCh38, 1-based): chr14:91,869,576, C>T on the plus strand (G>A on the coding strand, the complement: FBLN5 is on the minus strand). VCF-style: chr14-91869576-C-T. GRCh37 (hg19) VCF-style: chr14-92335920-C-T.
Other names: c.*648G>A (NM_001384158.1, NM_001384159.1, NM_001384162.1); c.*779G>A (NM_001384160.1, NM_001384161.1).
Identifiers: ClinVar variation 314861 (VCV000314861.5), dbSNP rs182435130, ClinGen allele CA10646537.

ClinVar aggregate classification (germline): Conflicting classifications of pathogenicity. Review status: criteria provided, conflicting classifications (1 of 4 stars). 2 submissions from 1 submitter: Uncertain significance (1); Benign (1). Last evaluated 2018-01-13.

Conditions:
Cutis laxa. Identifiers: Orphanet 209, MedGen C0010495, MONDO:0016175, HP:0000973.
Macular degeneration, age-related, 3 (ARMD3). Identifiers: Orphanet 280598, MedGen C1837187, MONDO:0012145, OMIM 608895.

Allele frequency attached by ClinVar (database versions not stated): 1000 Genomes Project 30x 0.00109; 1000 Genomes Project 0.00120; TOPMed 0.00132; gnomAD 0.00133 and 0.00140; gnomAD exomes 0.00214.
gnomAD v4.1: 211 of 154,584 alleles (0.14%); highest among the groups gnomAD compares: Non-Finnish European, 0.22%; 1 homozygote.

Submissions (2):

Illumina Laboratory Services, Illumina
Classification: Uncertain significance for Macular degeneration, age-related, 3. Last evaluated: 2018-01-13. Review status: criteria provided, single submitter. Criteria: ICSL Variant Classification Criteria 13 December 2019. Collection method: clinical testing. Allele origin: germline.

Illumina Laboratory Services, Illumina
Classification: Benign for Cutis laxa. Last evaluated: 2018-01-13. Review status: criteria provided, single submitter. Criteria: ICSL Variant Classification Criteria 13 December 2019. Collection method: clinical testing. Allele origin: germline.
Comment: This variant was observed in the ICSL laboratory as part of a predisposition screen in an ostensibly healthy population. It had not been previously curated by ICSL or reported in the Human Gene Mutation Database (HGMD: prior to June 1st, 2018), and was therefore a candidate for classification through an automated scoring system. Utilizing variant allele frequency, disease prevalence and penetrance estimates, and inheritance mode, an automated score was calculated to assess if this variant is too frequent to cause the disease. Based on the score and internal cut-off values, a variant classified as benign is not then subjected to further curation. The score for this variant resulted in a classification of benign for this disease.